The following is an entry in ClinVar:

NM_021098.3(CACNA1H):c.5506T>C (p.Ser1836Pro)

Gene: CACNA1H (calcium voltage-gated channel subunit alpha1 H; plus strand). Cytogenetic location: 16p13.3.
Variant type: single nucleotide variant.
Coding change: c.5506T>C on transcript NM_021098.3 (MANE Select); coding-DNA position 5506, T replaced by C.
Protein change: p.Ser1836Pro; replaces serine 1836 with proline.
Molecular consequence: missense variant.
Genome position (GRCh38, 1-based): chr16:1,218,270, T>C. VCF-style: chr16-1218270-T-C. GRCh37 (hg19) VCF-style: chr16-1268270-T-C.
Other names: c.5488T>C, p.Ser1830Pro (NM_001005407.2); short protein forms S1836P, S1830P.
Identifiers: ClinVar variation 2947698 (VCV002947698.3), dbSNP rs868493647, ClinGen allele CA276612433.

ClinVar aggregate classification (germline): Uncertain significance (1 of 4 stars; one submission).

Conditions:
Hyperaldosteronism, familial, type IV (HALD4). Also called: FH IV; ALDOSTERONISM, PRIMARY, AND HYPERTENSION. Identifiers: Orphanet 642671, MedGen C4310756, MONDO:0014875, OMIM 617027.
Idiopathic generalized epilepsy. Also called: EIG; Generalised epilepsy. Identifiers: MedGen C0270850, MONDO:0005579, OMIM 600669.

Allele frequency attached by ClinVar (database versions not stated): gnomAD exomes below 0.00001; TOPMed below 0.00001.
gnomAD v4.1: 1 of 1,551,802 alleles (0.000064%); highest among the groups gnomAD compares: African/African-American, 0.0014%; no homozygotes.

Submission:

Labcorp Genetics (formerly Invitae), Labcorp
Classification: Uncertain significance for Idiopathic generalized epilepsy; Hyperaldosteronism, familial, type IV. Last evaluated: 2023-05-13. Review status: criteria provided, single submitter. Criteria: Invitae Variant Classification Sherloc (09022015). Collection method: clinical testing. Allele origin: germline.
Comment: In summary, the available evidence is currently insufficient to determine the role of this variant in disease. Therefore, it has been classified as a Variant of Uncertain Significance. Advanced modeling of protein sequence and biophysical properties (such as structural, functional, and spatial information, amino acid conservation, physicochemical variation, residue mobility, and thermodynamic stability) performed at Invitae indicates that this missense variant is expected to disrupt CACNA1H protein function. This variant has not been reported in the literature in individuals affected with CACNA1H-related conditions. The frequency data for this variant in the population databases is considered unreliable, as metrics indicate poor data quality at this position in the gnomAD database. This sequence change replaces serine, which is neutral and polar, with proline, which is neutral and non-polar, at codon 1836 of the CACNA1H protein (p.Ser1836Pro).